The following is an entry in ClinVar:

ClinVar aggregate classification (germline): Conflicting classifications of pathogenicity. Review status: criteria provided, conflicting classifications (1 of 4 stars). 3 submissions from 3 submitters: Likely pathogenic (1); Benign (1); Likely benign (1). Last evaluated 2022-08-19.

Conditions:
Inborn genetic diseases. Identifiers: MedGen C0950123, MeSH D030342.
Mucolipidosis type II. Also called: ML II ALPHA/BETA; Mucolipidosis 2; ML 2; Inclusion cell disease; Leroy Disease; N-acetylglucosamine 1phosphotransferase deficiency. Identifiers: Orphanet 576, MedGen C2673377, MONDO:0009650, OMIM 252500.
Pseudo-Hurler polydystrophy. Also called: ML III; ML III ALPHA/BETA; MUCOLIPIDOSIS IIIA; Type III Mucolipidosis; ML IIIA; Mucolipidosis III Alpha/Beta. Identifiers: Orphanet 423461, Orphanet 577, MedGen C0033788, MONDO:0018931, OMIM 252600.

Submissions (3):

Labcorp Genetics (formerly Invitae), Labcorp
Classification: Benign for Pseudo-Hurler polydystrophy; Mucolipidosis type II. Last evaluated: 2022-08-19. Review status: criteria provided, single submitter. Criteria: Invitae Variant Classification Sherloc (09022015). Collection method: clinical testing. Allele origin: germline.

Ambry Genetics
Classification: Likely benign for Inborn genetic diseases. Last evaluated: 2022-06-17. Review status: criteria provided, single submitter. Criteria: Ambry Variant Classification Scheme 2023. Collection method: clinical testing. Allele origin: germline.

Diagnostics Division, CENTRE FOR DNA FINGERPRINTING AND DIAGNOSTICS
Classification: Likely pathogenic for Mucolipidosis type II; Pseudo-Hurler polydystrophy. Last evaluated: 2016-01-01. Review status: criteria provided, single submitter. Criteria: ACMG Guidelines, 2015. Collection method: research. Allele origin: unknown. Affected: yes. Observed: 1 compound heterozygote.
Comment: Deletion variant

NM_024312.5(GNPTAB):c.1613-25del

Gene: GNPTAB (N-acetylglucosamine-1-phosphate transferase subunits alpha and beta; minus strand). Cytogenetic location: 12q23.2.
Variant type: Deletion.
Coding change: c.1613-25del on transcript NM_024312.5 (MANE Select); 25 bases into the intron before coding-DNA position 1613, one base deleted (A; older notation c.1613-25delA).
Molecular consequence: intron variant.
Genome position (GRCh38, 1-based): chr12:101,765,329, T deleted on the plus strand (A on the coding strand, the reverse complement: GNPTAB is on the minus strand); the first of 10 consecutive T bases (chr12:101,765,329-101,765,338); deleting any one gives the same sequence. VCF-style (leftmost placement, unchanged base first): chr12-101765328-AT-A. GRCh37 (hg19) VCF-style: chr12-102159106-AT-A.
Other names: c.1613-25delA (NM_024312.4).
Identifiers: ClinVar variation 397564 (VCV000397564.10), dbSNP rs546802775, ClinGen allele CA6746559.
Genomic context (GRCh38, chr12:101,765,328, plus strand): 5'-GGGAGAAGGATCACTTTATACAATTCATGAAAATGATCTAGAGGAAAAAACAGAAACATG[AT>A]TTTTTTTTTAACTGGGCATTTTTCCTCTGTTTTCCTTTAATTCTTTGAGTCTGAGTTTTC-3'